The following is an entry in ClinVar:

NM_001308093.3(GATA4):c.1031C>T (p.Ala344Val)

Gene: GATA4 (GATA binding protein 4). Cytogenetic location: 8p23.1.
Variant type: single nucleotide variant.
Coding change: c.1031C>T on transcript NM_001308093.3 (MANE Select); coding-DNA position 1031, C replaced by T.
Protein change: p.Ala344Val; replaces alanine 344 with valine.
Molecular consequence: missense variant.
Genome position (GRCh38, 1-based): chr8:11,756,965, C>T. VCF-style: chr8-11756965-C-T. GRCh37 (hg19) VCF-style: chr8-11614474-C-T.
Other names: c.410C>T, p.Ala137Val (NM_001308094.2, NM_001374273.1); c.284C>T, p.Ala95Val (NM_001374274.1); c.1028C>T, p.Ala343Val (NM_002052.5); short protein forms A343V, A95V, A344V, A137V.
Identifiers: ClinVar variation 952361 (VCV000952361.11), dbSNP rs1199535707, ClinGen allele CA370314818.

ClinVar aggregate classification (germline): Uncertain significance. Review status: criteria provided, multiple submitters, no conflicts (2 of 4 stars). 2 submissions from 2 submitters: Uncertain significance (2). Last evaluated 2025-11-24.

Conditions:
Cardiovascular phenotype. Identifiers: MedGen CN230736.
Atrioventricular septal defect 4 (AVSD4). Identifiers: MedGen C3280781, MONDO:0013747, OMIM 614430.

Allele frequency attached by ClinVar (database versions not stated): gnomAD 0.00001; gnomAD exomes 0.00001; TOPMed 0.00001.

Submissions (2):

Labcorp Genetics (formerly Invitae), Labcorp
Classification: Uncertain significance for Atrioventricular septal defect 4. Last evaluated: 2025-11-24. Review status: criteria provided, single submitter. Criteria: Invitae Variant Classification Sherloc (09022015). Collection method: clinical testing. Allele origin: germline.
Comment: This sequence change replaces alanine, which is neutral and non-polar, with valine, which is neutral and non-polar, at codon 343 of the GATA4 protein (p.Ala343Val). This variant is present in population databases (no rsID available, gnomAD 0.007%). This variant has not been reported in the literature in individuals affected with GATA4-related conditions. ClinVar contains an entry for this variant (Variation ID: 952361). Invitae Evidence Modeling of protein sequence and biophysical properties (such as structural, functional, and spatial information, amino acid conservation, physicochemical variation, residue mobility, and thermodynamic stability) indicates that this missense variant is not expected to disrupt GATA4 protein function with a negative predictive value of 95%. In summary, the available evidence is currently insufficient to determine the role of this variant in disease. Therefore, it has been classified as a Variant of Uncertain Significance.

Ambry Genetics
Classification: Uncertain significance for Cardiovascular phenotype. Last evaluated: 2023-09-07. Review status: criteria provided, single submitter. Criteria: Ambry Variant Classification Scheme 2023. Collection method: clinical testing. Allele origin: germline.
Comment: The p.A343V variant (also known as c.1028C>T), located in coding exon 5 of the GATA4 gene, results from a C to T substitution at nucleotide position 1028. The alanine at codon 343 is replaced by valine, an amino acid with similar properties. This amino acid position is conserved. In addition, the in silico prediction for this alteration is inconclusive. Since supporting evidence is limited at this time, the clinical significance of this alteration remains unclear.